The following is an entry in ClinVar:

ClinVar aggregate classification (germline): Conflicting classifications of pathogenicity. Review status: criteria provided, conflicting classifications (1 of 4 stars). 4 submissions from 3 submitters: Uncertain significance (3); Likely benign (1). Last evaluated 2025-07-21.

Conditions:
Fanconi anemia complementation group D1. Also called: BRCA2-Related Fanconi Anemia. Identifiers: Orphanet 319462, MedGen C1838457, MONDO:0011584, OMIM 605724.
Breast-ovarian cancer, familial, susceptibility to, 2 (BROVCA2). Also called: BRCA2 Hereditary Breast and Ovarian Cancer. Identifiers: Orphanet 145, MedGen C2675520, MONDO:0012933, OMIM 612555. Disease mechanism: loss of function.
Hereditary cancer-predisposing syndrome. Also called: Tumor predisposition; Neoplastic Syndromes, Hereditary; Hereditary neoplastic syndrome; Hereditary Cancer Syndrome. Identifiers: Orphanet 140162, MedGen C0027672, MeSH D009386, MONDO:0015356.
Hereditary breast ovarian cancer syndrome. Also called: Hereditary breast and ovarian cancer; Breast and ovarian cancer; Hereditary breast and/or ovarian cancer syndrome; BRCA1- and BRCA2-Associated Hereditary Breast and Ovarian Cancer; Hereditary breast and ovarian cancer syndrome; Hereditary breast and ovarian cancer syndrome (HBOC). Identifiers: Orphanet 145, MedGen C0677776, MeSH D061325, MONDO:0003582. Disease mechanism: loss of function.

Submissions (4):

Labcorp Genetics (formerly Invitae), Labcorp
Classification: Uncertain significance for Hereditary breast ovarian cancer syndrome. Last evaluated: 2025-07-21. Review status: criteria provided, single submitter. Criteria: Invitae Variant Classification Sherloc (09022015). Collection method: clinical testing. Allele origin: germline.
Comment: This sequence change replaces histidine, which is basic and polar, with aspartic acid, which is acidic and polar, at codon 282 of the BRCA2 protein (p.His282Asp). This variant is not present in population databases (gnomAD no frequency). This variant has not been reported in the literature in individuals affected with BRCA2-related conditions. ClinVar contains an entry for this variant (Variation ID: 883272). Invitae Evidence Modeling of protein sequence and biophysical properties (such as structural, functional, and spatial information, amino acid conservation, physicochemical variation, residue mobility, and thermodynamic stability) indicates that this missense variant is not expected to disrupt BRCA2 protein function with a negative predictive value of 95%. In summary, the available evidence is currently insufficient to determine the role of this variant in disease. Therefore, it has been classified as a Variant of Uncertain Significance.

University of Washington Department of Laboratory Medicine, University of Washington
Classification: Likely benign for Hereditary cancer-predisposing syndrome. Last evaluated: 2023-03-23. Review status: criteria provided, single submitter. Criteria: Dines et al. (Genet Med. 2020). Collection method: curation. Allele origin: germline.
Comment: Missense variant in a coldspot region where missense variants are very unlikely to be pathogenic (PMID:31911673).

BRCA2 exon 10 coldspot. Reclassification based on statistical prior probability.

Illumina Laboratory Services, Illumina
Classification: Uncertain significance for Fanconi anemia complementation group D1. Last evaluated: 2018-01-13. Review status: criteria provided, single submitter. Criteria: ICSL Variant Classification Criteria 13 December 2019. Collection method: clinical testing. Allele origin: germline.

Illumina Laboratory Services, Illumina
Classification: Uncertain significance for Breast-ovarian cancer, familial, susceptibility to, 2. Last evaluated: 2018-01-13. Review status: criteria provided, single submitter. Criteria: ICSL Variant Classification Criteria 13 December 2019. Collection method: clinical testing. Allele origin: germline.

NM_000059.4(BRCA2):c.844C>G (p.His282Asp)

Gene: BRCA2 (BRCA2 DNA repair associated; plus strand). Cytogenetic location: 13q13.1.
Variant type: single nucleotide variant.
Coding change: c.844C>G on transcript NM_000059.4 (MANE Select); coding-DNA position 844, C replaced by G.
Protein change: p.His282Asp; replaces histidine 282 with aspartic acid.
Molecular consequence: missense variant.
Genome position (GRCh38, 1-based): chr13:32,332,322, C>G. VCF-style: chr13-32332322-C-G. GRCh37 (hg19) VCF-style: chr13-32906459-C-G.
Other names: short protein forms H282D.
Identifiers: ClinVar variation 883272 (VCV000883272.7), dbSNP rs768605944, ClinGen allele CA387760509.